The following is an entry in ClinVar:

NM_002693.3(POLG):c.1371G>C (p.Arg457=)

Gene: POLG (DNA polymerase gamma, catalytic subunit; minus strand). Cytogenetic location: 15q26.1.
Variant type: single nucleotide variant.
Coding change: c.1371G>C on transcript NM_002693.3 (MANE Select); coding-DNA position 1371, G replaced by C.
Protein change: p.Arg457=; no amino-acid change (arginine 457 retained).
Molecular consequence: synonymous variant.
Genome position (GRCh38, 1-based): chr15:89,327,229, C>G on the plus strand (G>C on the coding strand, the complement: POLG is on the minus strand). VCF-style: chr15-89327229-C-G. GRCh37 (hg19) VCF-style: chr15-89870460-C-G.
Other names: c.1371G>C, p.Arg457= (NM_001126131.2).
Identifiers: ClinVar variation 619452 (VCV000619452.9), dbSNP rs1567191387, ClinGen allele CA10602191.

ClinVar aggregate classification (germline): Likely benign. Review status: criteria provided, multiple submitters, no conflicts (2 of 4 stars). 2 submissions from 2 submitters: Likely benign (2). Last evaluated 2023-05-30.

Conditions:
Progressive sclerosing poliodystrophy (MTDPS4A). Also called: Alpers-Huttenlocher Syndrome (AHS); Alpers Syndrome; ALPERS PROGRESSIVE INFANTILE POLIODYSTROPHY; Mitochondrial DNA depletion syndrome 4A (Alpers type); ALPERS DIFFUSE DEGENERATION OF CEREBRAL GRAY MATTER WITH HEPATIC CIRRHOSIS; Alpers-Huttenlocher Syndrome. Identifiers: Orphanet 726, MedGen C0205710, MONDO:0008758, OMIM 203700.

Allele frequency attached by ClinVar (database versions not stated): gnomAD below 0.00001 and 0.00001; TOPMed below 0.00001.
gnomAD v4.1: 1 of 1,614,130 alleles (0.000062%); highest among the groups gnomAD compares: South Asian, 0.0011%; no homozygotes.

Submissions (2):

Labcorp Genetics (formerly Invitae), Labcorp
Classification: Likely benign for Progressive sclerosing poliodystrophy. Last evaluated: 2023-05-30. Review status: criteria provided, single submitter. Criteria: Invitae Variant Classification Sherloc (09022015). Collection method: clinical testing. Allele origin: germline.

Wong Mito Lab, Molecular and Human Genetics, Baylor College of Medicine
Classification: Likely benign for Progressive sclerosing poliodystrophy. Last evaluated: 2018-10-01. Review status: criteria provided, single submitter. Criteria: ACMG Guidelines, 2015. Collection method: clinical testing. Allele origin: germline.
Comment: The NM_002693.2:c.1371G>C (NP_002684.1:p.Arg457=) [GRCH38: NC_000015.10:g.89327229C>G] variant in POLG gene is interpretated to be a Likely Benign based on ACMG guidelines (PMID: 25741868). This variant meets the following evidence codes reported in the ACMG-guideline. BP4:Computational evidence/predictors indicate no impact on the POLG structure, function, or protein-protein interaction. BP7:The variant is silent with non predicted splice impact. Based on the evidence criteria codes applied, the variant is suggested to be Likely Benign.